The following is an entry in ClinVar:

NM_001164508.2(NEB):c.23889G>C (p.Glu7963Asp)

Genes: NEB (nebulin; minus strand), RIF1 (replication timing regulatory factor 1; plus strand). Cytogenetic location: 2q23.3.
Variant type: single nucleotide variant.
Coding change: c.23889G>C on transcript NM_001164508.2 (MANE Select); coding-DNA position 23889, G replaced by C.
Protein change: p.Glu7963Asp; replaces glutamic acid 7963 with aspartic acid.
Molecular consequence: missense variant.
Genome position (GRCh38, 1-based): chr2:151,502,832, C>G on the plus strand (G>C on the coding strand, the complement: NEB is on the minus strand). VCF-style: chr2-151502832-C-G. GRCh37 (hg19) VCF-style: chr2-152359346-C-G.
Other names: c.23889G>C, p.Glu7963Asp (NM_001164507.2); c.23994G>C, p.Glu7998Asp (NM_001271208.2); c.18786G>C, p.Glu6262Asp (NM_004543.5); c.18786G>C (NM_004543.4); short protein forms E6262D, E7963D, E7998D.
Identifiers: ClinVar variation 1057889 (VCV001057889.9), dbSNP rs975397268, ClinGen allele CA57672831.

ClinVar aggregate classification (germline): Uncertain significance. Review status: criteria provided, multiple submitters, no conflicts (2 of 4 stars). 2 submissions from 2 submitters: Uncertain significance (2). Last evaluated 2022-11-08.

Conditions:
Inborn genetic diseases. Identifiers: MedGen C0950123, MeSH D030342.
Nemaline myopathy 2 (NEM2). Also called: Nemaline myopathy 2, autosomal recessive. Identifiers: MedGen C1850569, MONDO:0009725, OMIM 256030.

gnomAD v4.1: 3 of 1,607,986 alleles (0.00019%); highest among the groups gnomAD compares: Non-Finnish European, 0.00025%; no homozygotes.

Submissions (2):

Ambry Genetics
Classification: Uncertain significance for Inborn genetic diseases. Last evaluated: 2022-11-08. Review status: criteria provided, single submitter. Criteria: Ambry Variant Classification Scheme 2023. Collection method: clinical testing. Allele origin: germline.

Labcorp Genetics (formerly Invitae), Labcorp
Classification: Uncertain significance for Nemaline myopathy 2. Last evaluated: 2022-09-01. Review status: criteria provided, single submitter. Criteria: Invitae Variant Classification Sherloc (09022015). Collection method: clinical testing. Allele origin: germline.
Comment: This sequence change replaces glutamic acid, which is acidic and polar, with aspartic acid, which is acidic and polar, at codon 7998 of the NEB protein (p.Glu7998Asp). This variant is present in population databases (no rsID available, gnomAD 0.0009%). This variant has not been reported in the literature in individuals affected with NEB-related conditions. ClinVar contains an entry for this variant (Variation ID: 1057889). Algorithms developed to predict the effect of missense changes on protein structure and function are either unavailable or do not agree on the potential impact of this missense change (SIFT: "Deleterious"; PolyPhen-2: "Not Available"; Align-GVGD: "Class C0"). In summary, the available evidence is currently insufficient to determine the role of this variant in disease. Therefore, it has been classified as a Variant of Uncertain Significance.